The following is an entry in ClinVar:

ClinVar aggregate classification (germline): Uncertain significance (1 of 4 stars; one submission).

Submission:

GeneDx
Classification: Uncertain significance. Last evaluated: 2023-12-13. Review status: criteria provided, single submitter. Criteria: GeneDx Variant Classification Process June 2021. Collection method: clinical testing. Allele origin: germline. Affected: yes.
Comment: Not observed at significant frequency in large population cohorts (gnomAD); In silico analysis supports that this missense variant has a deleterious effect on protein structure/function; Has not been previously published as pathogenic or benign to our knowledge

NM_006160.4(NEUROD2):c.475A>G (p.Lys159Glu)

Gene: NEUROD2 (neuronal differentiation 2; minus strand). Cytogenetic location: 17q12.
Variant type: single nucleotide variant.
Coding change: c.475A>G on transcript NM_006160.4 (MANE Select); coding-DNA position 475, A replaced by G.
Protein change: p.Lys159Glu; replaces lysine 159 with glutamic acid.
Molecular consequence: missense variant.
Genome position (GRCh38, 1-based): chr17:39,606,125, T>C on the plus strand (A>G on the coding strand, the complement: NEUROD2 is on the minus strand). VCF-style: chr17-39606125-T-C. GRCh37 (hg19) VCF-style: chr17-37762378-T-C.
Other names: short protein forms K159E.
Identifiers: ClinVar variation 3365778 (VCV003365778.1).